The following is an entry in ClinVar:

ClinVar aggregate classification (germline): Uncertain significance (1 of 4 stars; one submission).

Conditions:
SEMA3D-related disorder. Also called: SEMA3D-related condition.

Submission:

PreventionGenetics, part of Exact Sciences
Classification: Uncertain significance for SEMA3D-related condition. Last evaluated: 2025-03-26. Review status: criteria provided, single submitter. Criteria: ACMG Guidelines, 2015. Collection method: clinical testing. Allele origin: germline.
Comment: The SEMA3D c.1615A>G variant is predicted to result in the amino acid substitution p.Lys539Glu. To our knowledge, this variant has not been reported in the literature or in a large population database (gnomAD), indicating this variant is rare. At this time, the clinical significance of this variant is uncertain due to the absence of conclusive functional and genetic evidence.

NM_001384900.1(SEMA3D):c.1615A>G (p.Lys539Glu)

Gene: SEMA3D (semaphorin 3D; minus strand). Cytogenetic location: 7q21.11.
Variant type: single nucleotide variant.
Coding change: c.1615A>G on transcript NM_001384900.1 (MANE Select); coding-DNA position 1615, A replaced by G.
Protein change: p.Lys539Glu; replaces lysine 539 with glutamic acid.
Molecular consequence: missense variant.
Genome position (GRCh38, 1-based): chr7:85,015,147, T>C on the plus strand (A>G on the coding strand, the complement: SEMA3D is on the minus strand). VCF-style: chr7-85015147-T-C. GRCh37 (hg19) VCF-style: chr7-84644463-T-C.
Other names: c.1615A>G, p.Lys539Glu (NM_001384901.1, NM_001384902.1, NM_001384903.1 and 1 more transcripts); short protein forms K539E.
Identifiers: ClinVar variation 4997648 (VCV004997648.1).
Genomic context (GRCh38, chr7:85,015,147, plus strand): 5'-ATGCATTTCCATCCCAGGCACAGTAGGGGTCTCTGGCAAGACAACAGTCTGCGCAAGCTT[T>C]CCCATAAGTGTCGCATCTGTGCAAGGAGAGCTGAACCAATCCATCTCGGGAACCAATGTA-3'
Protein context (NP_001371829.1, residues 529-549): LSLHRCDTYG[Lys539Glu]ACADCCLARD